The following is an entry in ClinVar:

ClinVar aggregate classification (germline): Uncertain significance (1 of 4 stars; one submission).

gnomAD v4.1: 3 of 1,613,500 alleles (0.00019%); highest among the groups gnomAD compares: Non-Finnish European, 0.00025%; no homozygotes.

Submission:

Labcorp Genetics (formerly Invitae), Labcorp
Classification: Uncertain significance. Last evaluated: 2024-10-10. Review status: criteria provided, single submitter. Criteria: Invitae Variant Classification Sherloc (09022015). Collection method: clinical testing. Allele origin: germline.
Comment: This sequence change replaces alanine, which is neutral and non-polar, with serine, which is neutral and polar, at codon 1271 of the SCN3A protein (p.Ala1271Ser). This variant is not present in population databases (gnomAD no frequency). This variant has not been reported in the literature in individuals affected with SCN3A-related conditions. Invitae Evidence Modeling of protein sequence and biophysical properties (such as structural, functional, and spatial information, amino acid conservation, physicochemical variation, residue mobility, and thermodynamic stability) has been performed for this missense variant. However, the output from this modeling did not meet the statistical confidence thresholds required to predict the impact of this variant on SCN3A protein function. In summary, the available evidence is currently insufficient to determine the role of this variant in disease. Therefore, it has been classified as a Variant of Uncertain Significance.

NM_006922.4(SCN3A):c.3811G>T (p.Ala1271Ser)

Gene: SCN3A (sodium voltage-gated channel alpha subunit 3; minus strand). Cytogenetic location: 2q24.3.
Variant type: single nucleotide variant.
Coding change: c.3811G>T on transcript NM_006922.4 (MANE Select); coding-DNA position 3811, G replaced by T.
Protein change: p.Ala1271Ser; replaces alanine 1271 with serine.
Molecular consequence: missense variant.
Genome position (GRCh38, 1-based): chr2:165,112,917, C>A on the plus strand (G>T on the coding strand, the complement: SCN3A is on the minus strand). VCF-style: chr2-165112917-C-A. GRCh37 (hg19) VCF-style: chr2-165969427-C-A.
Other names: c.3664G>T, p.Ala1222Ser (NM_001081676.2, NM_001081677.2); short protein forms A1271S, A1222S.
Identifiers: ClinVar variation 3718242 (VCV003718242.2).